The following is an entry in ClinVar:

ClinVar aggregate classification (germline): Conflicting classifications of pathogenicity. Review status: criteria provided, conflicting classifications (1 of 4 stars). 6 submissions from 6 submitters: Uncertain significance (2); Benign (2); Likely benign (2). Last evaluated 2026-02-17.

Conditions:
Ehlers-Danlos syndrome, classic type, 1 (EDSCL1). Also called: EDS I; EHLERS-DANLOS SYNDROME, GRAVIS TYPE; EHLERS-DANLOS SYNDROME, SEVERE CLASSIC TYPE; Ehlers-Danlos Syndrome, Classic Type, COL5A1-Related; Ehlers-Danlos syndrome, type 1. Identifiers: MedGen C0268335, MONDO:0019567, OMIM 130000.
Ehlers-Danlos syndrome, classic type (cEDS). Identifiers: Orphanet 287, MedGen C4225429, MONDO:0007522.
Familial thoracic aortic aneurysm and aortic dissection (TAAD). Also called: Thoracic aortic aneurysms and dissections. Identifiers: Orphanet 91387, MedGen C4707243, MONDO:0019625.

Allele frequency attached by ClinVar (database versions not stated): gnomAD exomes 0.00007 and 0.00005; gnomAD 0.00001 and 0.00003; ExAC 0.00010; TOPMed 0.00002.
gnomAD v4.1: 78 of 1,614,178 alleles (0.0048%); highest among the groups gnomAD compares: South Asian, 0.076%; 1 homozygote.

Submissions (6):

Ambry Genetics
Classification: Benign for Familial thoracic aortic aneurysm and aortic dissection. Last evaluated: 2026-02-17. Review status: criteria provided, single submitter. Criteria: Ambry Variant Classification Scheme 2023. Collection method: clinical testing. Allele origin: germline.

Labcorp Genetics (formerly Invitae), Labcorp
Classification: Likely benign for Ehlers-Danlos syndrome, classic type, 1. Last evaluated: 2025-10-23. Review status: criteria provided, single submitter. Criteria: Invitae Variant Classification Sherloc (09022015). Collection method: clinical testing. Allele origin: germline.

Women's Health and Genetics/Laboratory Corporation of America, LabCorp
Classification: Benign. Last evaluated: 2025-07-16. Review status: criteria provided, single submitter. Criteria: LabCorp Variant Classification Summary - May 2015. Collection method: clinical testing. Allele origin: germline.
Comment: Variant summary: COL5A1 c.1074C>T alters a conserved nucleotide resulting in a synonymous change. Several computational tools predict a significant impact on normal splicing: Four predict the variant creates a 5' donor site. However, these predictions have yet to be confirmed by functional studies. The variant allele was found at a frequency of 6.8e-05 in 251384 control chromosomes, predominantly at a frequency of 0.00056 within the South Asian subpopulation in the gnomAD database. The observed variant frequency within South Asian control individuals in the gnomAD database is approximately 17.92 fold of the estimated maximal expected allele frequency for a pathogenic variant in COL5A1 causing Ehlers-Danlos syndrome, classic type, Ehlers-Danlos syndrome, classic type, 1 phenotype (3.1e-05). To our knowledge, no occurrence of c.1074C>T in individuals affected with Ehlers-Danlos syndrome, classic type, Ehlers-Danlos syndrome, classic type, 1 and no experimental evidence demonstrating its impact on protein function have been reported. ClinVar contains an entry for this variant (Variation ID: 698030). Based on the evidence outlined above, the variant was classified as benign.

GeneDx
Classification: Uncertain significance. Last evaluated: 2025-03-14. Review status: criteria provided, single submitter. Criteria: GeneDx Variant Classification Process June 2021. Collection method: clinical testing. Allele origin: germline. Affected: yes.
Comment: Has not been previously published as pathogenic or benign to our knowledge; In silico analysis supports a deleterious effect on splicing; This variant is associated with the following publications: (PMID: 22696272)

Mayo Clinic Laboratories, Mayo Clinic
Classification: Uncertain significance. Last evaluated: 2020-01-22. Review status: criteria provided, single submitter. Criteria: ACMG Guidelines, 2015. Collection method: clinical testing. Allele origin: germline. Observed: 1 variant allele.

Illumina Laboratory Services, Illumina
Classification: Likely benign for Ehlers-Danlos syndrome, classic type, 1. Last evaluated: 2018-01-12. Review status: criteria provided, single submitter. Criteria: ICSL Variant Classification Criteria 13 December 2019. Collection method: clinical testing. Allele origin: germline.
Comment: This variant was observed in the ICSL laboratory as part of a predisposition screen in an ostensibly healthy population. It had not been previously curated by ICSL or reported in the Human Gene Mutation Database (HGMD: prior to June 1st, 2018), and was therefore a candidate for classification through an automated scoring system. Utilizing variant allele frequency, disease prevalence and penetrance estimates, and inheritance mode, an automated score was calculated to assess if this variant is too frequent to cause the disease. Based on the score and internal cut-off values, a variant classified as likely benign is not then subjected to further curation. The score for this variant resulted in a classification of likely benign for this disease.

Literature cited by the submitters: PubMed 22696272 (cited by Ambry Genetics); PubMed 38534782 (cited by Ambry Genetics).

NM_000093.5(COL5A1):c.1074C>T (p.Gly358=)

Gene: COL5A1 (collagen type V alpha 1 chain; plus strand). Cytogenetic location: 9q34.3.
Variant type: single nucleotide variant.
Coding change: c.1074C>T on transcript NM_000093.5 (MANE Select); coding-DNA position 1074, C replaced by T.
Protein change: p.Gly358=; no amino-acid change (glycine 358 retained).
Molecular consequence: synonymous variant.
Genome position (GRCh38, 1-based): chr9:134,730,385, C>T. VCF-style: chr9-134730385-C-T. GRCh37 (hg19) VCF-style: chr9-137622231-C-T.
Other names: c.1074C>T, p.Gly358= (NM_001278074.1).
Identifiers: ClinVar variation 698030 (VCV000698030.28), dbSNP rs561440698, ClinGen allele CA5318626.
Genomic context (GRCh38, chr9:134,730,385, plus strand): 5'-TGACTACGTGCCCAGTGAGGACTACTACACGCCCTCACCGTATGATGACCTCACCTATGG[C>T]GAGGGGGAGGAGAACCCCGACCAGCCCACAGACCCAGGCGCTGGGGCCGAAATTCCCACC-3'
Protein context (NP_000084.3, residues 348-368): TPSPYDDLTY[Gly358=]EGEENPDQPT